The following is an entry in ClinVar:

NM_017662.5(TRPM6):c.3256T>C (p.Tyr1086His)

Gene: TRPM6 (transient receptor potential cation channel subfamily M member 6; minus strand). Cytogenetic location: 9q21.13.
Variant type: single nucleotide variant.
Coding change: c.3256T>C on transcript NM_017662.5 (MANE Select); coding-DNA position 3256, T replaced by C.
Protein change: p.Tyr1086His; replaces tyrosine 1086 with histidine.
Molecular consequence: missense variant.
Genome position (GRCh38, 1-based): chr9:74,776,030, A>G on the plus strand (T>C on the coding strand, the complement: TRPM6 is on the minus strand). VCF-style: chr9-74776030-A-G. GRCh37 (hg19) VCF-style: chr9-77390946-A-G.
Other names: c.3241T>C, p.Tyr1081His (NM_001177310.2, NM_001177311.2); short protein forms Y1086H, Y1081H.
Identifiers: ClinVar variation 1903086 (VCV001903086.5), dbSNP rs2489944321, ClinGen allele CA373668630.

ClinVar aggregate classification (germline): Uncertain significance (1 of 4 stars; one submission).

Allele frequency attached by ClinVar (database versions not stated): gnomAD exomes below 0.00001.
gnomAD v4.1: 2 of 1,614,108 alleles (0.00012%); highest among the groups gnomAD compares: Non-Finnish European, 0.00017%; no homozygotes.

Submission:

Labcorp Genetics (formerly Invitae), Labcorp
Classification: Uncertain significance. Last evaluated: 2024-11-11. Review status: criteria provided, single submitter. Criteria: Invitae Variant Classification Sherloc (09022015). Collection method: clinical testing. Allele origin: germline.
Comment: This sequence change replaces tyrosine, which is neutral and polar, with histidine, which is basic and polar, at codon 1086 of the TRPM6 protein (p.Tyr1086His). This variant is not present in population databases (gnomAD no frequency). This variant has not been reported in the literature in individuals affected with TRPM6-related conditions. ClinVar contains an entry for this variant (Variation ID: 1903086). Invitae Evidence Modeling of protein sequence and biophysical properties (such as structural, functional, and spatial information, amino acid conservation, physicochemical variation, residue mobility, and thermodynamic stability) indicates that this missense variant is expected to disrupt TRPM6 protein function with a positive predictive value of 80%. In summary, the available evidence is currently insufficient to determine the role of this variant in disease. Therefore, it has been classified as a Variant of Uncertain Significance.